The following is an entry in ClinVar:

ClinVar aggregate classification (germline): Likely benign (1 of 4 stars; one submission).

Conditions:
Leigh syndrome (NULS). Also called: Leigh's necrotizing encephalopathy; Leigh's disease; Leigh Syndrome (mtDNA deletion); Leigh Disease; Subacute necrotizing encephalopathy; Necrotizing encephalopathy infantile subacute of Leigh. Identifiers: Orphanet 506, MedGen C2931891, MONDO:0009723, OMIM 256000.

Submission:

Wong Mito Lab, Molecular and Human Genetics, Baylor College of Medicine
Classification: Likely benign for Leigh syndrome. Last evaluated: 2019-10-17. Review status: criteria provided, single submitter. Criteria: Modified ACMG Guidelines (Unpublished). Collection method: clinical testing. Allele origin: germline.
Comment: The NC_012920.1:m.5128A>G (YP_003024027.1:p.Asn220Ser) variant in MTND2 gene is interpretated to be a Likely Benign variant based on the modified ACMG guidelines (unpublished). This variant meets the following evidence codes: BS1, BP4

NC_012920.1(MT-ND2):m.5128A>G

Gene: MT-ND2 (mitochondrially encoded NADH dehydrogenase 2; plus strand).
Variant type: single nucleotide variant.
Genome position: chrM-5128-A-G.
Identifiers: ClinVar variation 692548 (VCV000692548.1), dbSNP rs1603219796, ClinGen allele CA414778993.